The following is an entry in ClinVar:

NM_001267550.2(TTN):c.23925C>T (p.Ser7975=)

Gene: TTN (titin; minus strand). Cytogenetic location: 2q31.2.
Variant type: single nucleotide variant.
Coding change: c.23925C>T on transcript NM_001267550.2 (MANE Select); coding-DNA position 23925, C replaced by T.
Protein change: p.Ser7975=; no amino-acid change (serine 7975 retained).
Molecular consequence: synonymous variant. On other transcripts: intron variant (3).
Genome position (GRCh38, 1-based): chr2:178,719,567, G>A on the plus strand (C>T on the coding strand, the complement: TTN is on the minus strand). VCF-style: chr2-178719567-G-A. GRCh37 (hg19) VCF-style: chr2-179584294-G-A.
Other names: c.22974C>T, p.Ser7658= (NM_001256850.1); c.13282+18515C>T (NM_003319.4); c.13858+18515C>T (NM_133437.4); c.13657+18515C>T (NM_133432.3); c.20193C>T, p.Ser6731= (NM_133378.4).
Identifiers: ClinVar variation 178237 (VCV000178237.42), dbSNP rs374879942, ClinGen allele CA181880.

ClinVar aggregate classification (germline): Conflicting classifications of pathogenicity. Review status: criteria provided, conflicting classifications (1 of 4 stars). 11 submissions from 8 submitters: Uncertain significance (1); Benign (5); Likely benign (5). Last evaluated 2025-11-28.

Conditions:
Dilated cardiomyopathy 1G (CMD1G). Identifiers: Orphanet 154, MedGen C1858763, MONDO:0011400, OMIM 604145.
Autosomal recessive limb-girdle muscular dystrophy type 2J (LGMDR10). Also called: Limb-girdle muscular dystrophy, type 2J; MUSCULAR DYSTROPHY, LIMB-GIRDLE, AUTOSOMAL RECESSIVE 10. Identifiers: Orphanet 140922, MedGen C1837342, MONDO:0012127, OMIM 608807.
Early-onset myopathy with fatal cardiomyopathy (CMYO5). Also called: CONGENITAL MYOPATHY 5 WITH CARDIOMYOPATHY; Salih Myopathy. Identifiers: Orphanet 289377, MedGen C2673677, MONDO:0012714, OMIM 611705. Disease mechanism: loss of function.
Myopathy, myofibrillar, 9, with early respiratory failure (MFM9). Also called: Hereditary myopathy with early respiratory failure; MYOPATHY, PROXIMAL, WITH EARLY RESPIRATORY MUSCLE INVOLVEMENT; EDSTROM MYOPATHY; Myopathy, distal, with early respiratory failure, autosomal dominant. Identifiers: Orphanet 178464, Orphanet 34521, MedGen C1863599, MONDO:0011362, OMIM 603689.
Tibial muscular dystrophy (TMD). Also called: UDD MYOPATHY; Tibial muscular dystrophy, tardive; Udd Distal Myopathy – Tibial Muscular Dystrophy. Identifiers: Orphanet 609, MedGen C1838244, MONDO:0010870, OMIM 600334.

Allele frequency attached by ClinVar (database versions not stated): ESP Exome Variant Server 0.00008; gnomAD 0.00013; TOPMed 0.00015.
gnomAD v4.1: 49 of 1,607,128 alleles (0.003%); highest among the groups gnomAD compares: African/African-American, 0.039%; no homozygotes.

Submissions (11):

Labcorp Genetics (formerly Invitae), Labcorp
Classification: Likely benign for Dilated cardiomyopathy 1G; Autosomal recessive limb-girdle muscular dystrophy type 2J. Last evaluated: 2025-11-28. Review status: criteria provided, single submitter. Criteria: Invitae Variant Classification Sherloc (09022015). Collection method: clinical testing. Allele origin: germline.

CeGaT Center for Human Genetics Tuebingen
Classification: Likely benign. Last evaluated: 2024-04-01. Review status: criteria provided, single submitter. Criteria: CeGaT Center For Human Genetics Tuebingen Variant Classification Criteria Version 2. Collection method: clinical testing. Allele origin: germline. Affected: yes. Observed: 2 variant alleles.
Comment: TTN: BP4, BP7

Revvity Omics, Revvity
Classification: Uncertain significance. Last evaluated: 2022-03-01. Review status: criteria provided, single submitter. Criteria: ACMG Guidelines, 2015. Collection method: clinical testing. Allele origin: germline.

Women's Health and Genetics/Laboratory Corporation of America, LabCorp
Classification: Likely benign. Last evaluated: 2021-11-15. Review status: criteria provided, single submitter. Criteria: LabCorp Variant Classification Summary - May 2015. Collection method: clinical testing. Allele origin: germline.

Genome-Nilou Lab
Classification: Benign for Autosomal recessive limb-girdle muscular dystrophy type 2J. Last evaluated: 2021-09-10. Review status: criteria provided, single submitter. Criteria: ACMG Guidelines, 2015. Collection method: clinical testing. Allele origin: germline. Affected: no.

Genome-Nilou Lab
Classification: Benign for Myopathy, myofibrillar, 9, with early respiratory failure. Last evaluated: 2021-09-10. Review status: criteria provided, single submitter. Criteria: ACMG Guidelines, 2015. Collection method: clinical testing. Allele origin: germline. Affected: no.

Genome-Nilou Lab
Classification: Benign for Early-onset myopathy with fatal cardiomyopathy. Last evaluated: 2021-09-10. Review status: criteria provided, single submitter. Criteria: ACMG Guidelines, 2015. Collection method: clinical testing. Allele origin: germline. Affected: no.

Genome-Nilou Lab
Classification: Benign for Tibial muscular dystrophy. Last evaluated: 2021-09-10. Review status: criteria provided, single submitter. Criteria: ACMG Guidelines, 2015. Collection method: clinical testing. Allele origin: germline. Affected: no.

Blueprint Genetics
Classification: Likely benign. Last evaluated: 2019-12-09. Review status: criteria provided, single submitter. Criteria: ACMG Guidelines, 2015. Collection method: clinical testing. Allele origin: germline.

Athena Diagnostics
Classification: Benign. Last evaluated: 2016-10-29. Review status: criteria provided, single submitter. Criteria: Athena Diagnostics Criteria. Collection method: clinical testing. Allele origin: germline.

Laboratory for Molecular Medicine, Mass General Brigham Personalized Medicine
Classification: Likely benign. Last evaluated: 2012-03-19. Review status: criteria provided, single submitter. Criteria: LMM Criteria. Collection method: clinical testing. Allele origin: germline. Observed: 1 variant allele.
Comment: Ser6731Ser in exon 79 of TTN: This variant is not expected to have clinical sign ificance because it does not alter an amino acid residue and is not located with in the splice consensus sequence. It has been identified in 1/3042 African Ameri can chromosomes from a broad population by the NHLBI Exome Sequencing Project. Ser6731Ser in exon 79 of TTN (allele frequenc y = 0.03%, 1/3042) **